The following is an entry in ClinVar:

NM_001374385.1(ATP8B1):c.2908TTC[1] (p.Phe971del)

Genes: ATP8B1 (ATPase phospholipid transporting 8B1; minus strand), ATP8B1-AS1 (ATP8B1 antisense RNA 1; plus strand). Cytogenetic location: 18q21.31.
Variant type: Microsatellite.
Coding change: c.2908TTC[1] on transcript NM_001374385.1 (MANE Select); one copy of the 3-base unit TTC starting at c.2908; the reference has two copies in a row; one copy, 3 bases deleted.
Protein change: p.Phe971del; deletes phenylalanine 971.
Genome position (GRCh38, 1-based): chr18:57,655,212-57,655,214, GAA deleted on the plus strand (TTC on the coding strand, the reverse complement: ATP8B1 is on the minus strand); deleting any 3 consecutive bases within chr18:57,655,212-57,655,218 gives the same sequence; the position shown is the placement nearest the transcript's 3' end. VCF-style (leftmost placement, unchanged base first): chr18-57655211-TGAA-T. GRCh37 (hg19) VCF-style: chr18-55322443-TGAA-T.
Other names: c.2911_2913del (NM_005603.6); c.2758TTC[1], p.Phe921del (NM_001374386.1); c.2908TTC[1], p.Phe971del (NM_005603.6); short protein forms F921del, F971del.
Identifiers: ClinVar variation 4846039 (VCV004846039.1).

ClinVar aggregate classification (germline): Uncertain significance (1 of 4 stars; one submission).

Conditions:
Familial intrahepatic cholestasis. Identifiers: Orphanet 284385, MedGen CN296401, MONDO:0017290.

Submission:

Genomenon, Inc
Classification: Uncertain significance for Familial intrahepatic cholestasis. Last evaluated: 2026-04-14. Review status: criteria provided, single submitter. Criteria: Genomenon Sequence Variant Interpretation Standards - Updated. Collection method: curation. Allele origin: germline. Affected: yes.
Comment: ATP8B1 p.Phe971del (c.2911_2913del) is a deletion variant that results in the in-frame deletion of Phenylalanine at residue 971. This variant has been observed in at least one proband with features of ATP8B1-deficiency (PMID:34278601;28733223). It is absent or not present at a significant frequency in gnomAD. In conclusion, we classify ATP8B1 p.Phe971del (c.2911_2913del) as a variant of uncertain significance.

Literature cited by the submitters: PubMed 34278601; PubMed 28733223.